The following is an entry in ClinVar:

ClinVar aggregate classification (germline): Pathogenic (1 of 4 stars; one submission).

Conditions:
Long QT syndrome (LQTS). Identifiers: MedGen C0023976, MeSH D008133, MONDO:0002442. Disease mechanism: loss of function. Inheritance: Various modes of inheritance.

Submission:

Labcorp Genetics (formerly Invitae), Labcorp
Classification: Pathogenic for Long QT syndrome. Last evaluated: 2023-11-07. Review status: criteria provided, single submitter. Criteria: Invitae Variant Classification Sherloc (09022015). Collection method: clinical testing. Allele origin: germline.
Comment: This sequence change creates a premature translational stop signal (p.Pro917Argfs*51) in the KCNH2 gene. It is expected to result in an absent or disrupted protein product. Loss-of-function variants in KCNH2 are known to be pathogenic (PMID: 10973849, 19862833). This variant is not present in population databases (gnomAD no frequency). This variant has not been reported in the literature in individuals affected with KCNH2-related conditions. For these reasons, this variant has been classified as Pathogenic.

Literature cited by the submitters: PubMed 10973849; PubMed 19862833.

NM_000238.4(KCNH2):c.2748_2766del (p.Pro917fs)

Gene: KCNH2 (potassium voltage-gated channel subfamily H member 2; minus strand). Cytogenetic location: 7q36.1.
Variant type: Deletion.
Coding change: c.2748_2766del on transcript NM_000238.4 (MANE Select); coding-DNA positions 2748 to 2766, 19 bases deleted (GCCGAGTAGCCGGGGCCGG).
Protein change: p.Pro917fs; shifts the reading frame from proline 917.
Molecular consequence: frameshift variant.
Genome position (GRCh38, 1-based): chr7:150,947,805-150,947,823, CCGGCCCCGGCTACTCGGC deleted on the plus strand (GCCGAGTAGCCGGGGCCGG on the coding strand, the reverse complement: KCNH2 is on the minus strand); deleting any 19 consecutive bases within chr7:150,947,805-150,947,825 gives the same sequence; the c. name uses the placement nearest the transcript's 3' end. VCF-style (leftmost placement, unchanged base first): chr7-150947804-GCCGGCCCCGGCTACTCGGC-G. GRCh37 (hg19) VCF-style: chr7-150644892-GCCGGCCCCGGCTACTCGGC-G.
Other names: c.2460_2478del, p.Pro821fs (NM_001406753.1); c.1728_1746del, p.Pro577fs (NM_172057.3); short protein forms P917fs, P821fs, P577fs.
Identifiers: ClinVar variation 2694065 (VCV002694065.3), dbSNP rs2486008033, ClinGen allele CA2697557665.